The following is an entry in ClinVar:

ClinVar aggregate classification (germline): Uncertain significance (1 of 4 stars; one submission).

Conditions:
Cortical dysplasia-focal epilepsy syndrome (PTHSL1). Also called: Pitt-Hopkins-like syndrome 1. Identifiers: Orphanet 163681, Orphanet 221150, MedGen C2750246, MONDO:0012400, OMIM 610042.

Submission:

Labcorp Genetics (formerly Invitae), Labcorp
Classification: Uncertain significance for Cortical dysplasia-focal epilepsy syndrome. Last evaluated: 2022-08-09. Review status: criteria provided, single submitter. Criteria: Invitae Variant Classification Sherloc (09022015). Collection method: clinical testing. Allele origin: germline.
Comment: This sequence change replaces phenylalanine, which is neutral and non-polar, with cysteine, which is neutral and slightly polar, at codon 1053 of the CNTNAP2 protein (p.Phe1053Cys). In summary, the available evidence is currently insufficient to determine the role of this variant in disease. Therefore, it has been classified as a Variant of Uncertain Significance. Algorithms developed to predict the effect of missense changes on protein structure and function (SIFT, PolyPhen-2, Align-GVGD) all suggest that this variant is likely to be disruptive. ClinVar contains an entry for this variant (Variation ID: 1424728). This variant has not been reported in the literature in individuals affected with CNTNAP2-related conditions. This variant is not present in population databases (gnomAD no frequency).

NM_014141.6(CNTNAP2):c.3158T>G (p.Phe1053Cys)

Gene: CNTNAP2 (contactin associated protein 2; plus strand). Cytogenetic location: 7q36.1.
Variant type: single nucleotide variant.
Coding change: c.3158T>G on transcript NM_014141.6 (MANE Select); coding-DNA position 3158, T replaced by G.
Protein change: p.Phe1053Cys; replaces phenylalanine 1053 with cysteine.
Molecular consequence: missense variant.
Genome position (GRCh38, 1-based): chr7:148,217,435, T>G. VCF-style: chr7-148217435-T-G. GRCh37 (hg19) VCF-style: chr7-147914527-T-G.
Other names: short protein forms F1053C.
Identifiers: ClinVar variation 1424728 (VCV001424728.8), dbSNP rs2116757389, ClinGen allele CA369929359.